The following is an entry in ClinVar:

NM_001243133.2(NLRP3):c.1241G>T (p.Trp414Leu)

Gene: NLRP3 (NLR family pyrin domain containing 3; plus strand). Cytogenetic location: 1q44.
Variant type: single nucleotide variant.
Coding change: c.1241G>T on transcript NM_001243133.2 (MANE Select); coding-DNA position 1241, G replaced by T.
Protein change: p.Trp414Leu; replaces tryptophan 414 with leucine.
Molecular consequence: missense variant.
Genome position (GRCh38, 1-based): chr1:247,424,690, G>T. VCF-style: chr1-247424690-G-T. GRCh37 (hg19) VCF-style: chr1-247587992-G-T.
Other names: c.1241G>T, p.Trp414Leu (NM_001079821.3, NM_001127461.3, NM_001127462.3 and 1 more transcripts); c.1247G>T, p.Trp416Leu (NM_004895.5); short protein forms W416L, W414L.
Identifiers: ClinVar variation 97919 (VCV000097919.1), dbSNP rs180177496, ClinGen allele CA281157.

ClinVar aggregate classification (germline): not provided (0 of 4 stars; one submission).

Conditions:
Familial cold autoinflammatory syndrome 1 (FCAS1). Also called: CRYOPYRIN-ASSOCIATED PERIODIC SYNDROME 1; Familial cold inflammatory syndrome 1. Identifiers: Orphanet 47045, MedGen C4551895, MONDO:0007349, OMIM 120100.

Submission:

Unité médicale des maladies autoinflammatoires, CHRU Montpellier
No classification provided. Condition: Familial cold urticaria. Review status: no classification provided. Collection method: not provided. Allele origin: unknown.
Comment: also involved in OMIM 191900 and 607115